The following is an entry in ClinVar:

NM_001289808.2(CRYAB):c.324+214C>T

Gene: CRYAB (crystallin alpha B; minus strand). Cytogenetic location: 11q23.1.
Variant type: single nucleotide variant.
Coding change: c.324+214C>T on transcript NM_001289808.2 (MANE Select); 214 bases into the intron after coding-DNA position 324, C replaced by T.
Molecular consequence: intron variant.
Genome position (GRCh38, 1-based): chr11:111,910,113, G>A on the plus strand (C>T on the coding strand, the complement: CRYAB is on the minus strand). VCF-style: chr11-111910113-G-A. GRCh37 (hg19) VCF-style: chr11-111780837-G-A.
Other names: c.324+214C>T (NM_001368245.1, NM_001885.3, NM_001289807.1); c.123+214C>T (NM_001368246.1, NM_001330379.1).
Identifiers: ClinVar variation 672477 (VCV000672477.2), dbSNP rs2070894, ClinGen allele CA15678826.

ClinVar aggregate classification (germline): Benign. Review status: criteria provided, multiple submitters, no conflicts (2 of 4 stars). 2 submissions from 2 submitters: Benign (2). Last evaluated 2018-06-14.

Allele frequency attached by ClinVar (database versions not stated): 1000 Genomes Project 0.23822; 1000 Genomes Project 30x 0.23907; gnomAD 0.26792 and 0.26846; TOPMed 0.27055; gnomAD exomes 0.27630.

Submissions (2):

GeneDx
Classification: Benign. Last evaluated: 2018-06-14. Review status: criteria provided, single submitter. Criteria: GeneDx Variant Classification (06012015). Collection method: clinical testing. Allele origin: germline. Affected: yes.
Comment: This variant is considered likely benign or benign based on one or more of the following criteria: it is a conservative change, it occurs at a poorly conserved position in the protein, it is predicted to be benign by multiple in silico algorithms, and/or has population frequency not consistent with disease.

Breakthrough Genomics
Classification: Benign. Review status: criteria provided, single submitter. Criteria: ACMG Guidelines, 2015. Collection method: not provided. Allele origin: germline. Inheritance: Autosomal recessive inheritance. Affected: yes.